The following is an entry in ClinVar:

ClinVar aggregate classification (germline): Uncertain significance (1 of 4 stars; one submission).

Submission:

Labcorp Genetics (formerly Invitae), Labcorp
Classification: Uncertain significance. Last evaluated: 2022-04-11. Review status: criteria provided, single submitter. Criteria: Invitae Variant Classification Sherloc (09022015). Collection method: clinical testing. Allele origin: germline.
Comment: This sequence change replaces cysteine, which is neutral and slightly polar, with arginine, which is basic and polar, at codon 688 of the IMPG1 protein (p.Cys688Arg). This variant is not present in population databases (gnomAD no frequency). This variant has not been reported in the literature in individuals affected with IMPG1-related conditions. Algorithms developed to predict the effect of missense changes on protein structure and function are either unavailable or do not agree on the potential impact of this missense change (SIFT: "Deleterious"; PolyPhen-2: "Probably Damaging"; Align-GVGD: "Class C0"). In summary, the available evidence is currently insufficient to determine the role of this variant in disease. Therefore, it has been classified as a Variant of Uncertain Significance.

NM_001563.4(IMPG1):c.2062T>C (p.Cys688Arg)

Gene: IMPG1 (interphotoreceptor matrix proteoglycan 1; minus strand). Cytogenetic location: 6q14.1.
Variant type: single nucleotide variant.
Coding change: c.2062T>C on transcript NM_001563.4 (MANE Select); coding-DNA position 2062, T replaced by C.
Protein change: p.Cys688Arg; replaces cysteine 688 with arginine.
Molecular consequence: missense variant.
Genome position (GRCh38, 1-based): chr6:75,931,134, A>G on the plus strand (T>C on the coding strand, the complement: IMPG1 is on the minus strand). VCF-style: chr6-75931134-A-G. GRCh37 (hg19) VCF-style: chr6-76640851-A-G.
Other names: c.1828T>C, p.Cys610Arg (NM_001282368.2); short protein forms C688R, C610R.
Identifiers: ClinVar variation 2124791 (VCV002124791.4), dbSNP rs2535869998, ClinGen allele CA364770225.